The following is an entry in ClinVar:

ClinVar aggregate classification (germline): Uncertain significance. Review status: criteria provided, multiple submitters, no conflicts (2 of 4 stars). 5 submissions from 5 submitters: Uncertain significance (5). Last evaluated 2024-11-05.

Conditions:
Fanconi anemia (FA). Also called: Fanconi's anemia. Identifiers: Orphanet 84, MedGen C0015625, MeSH D005199, MONDO:0019391.
Spermatogenic failure 28. Identifiers: MedGen C4748117, MONDO:0054732, OMIM 618086.
Premature ovarian failure 15. Identifiers: MedGen C4748170, MONDO:0054862, OMIM 618096.

Allele frequency attached by ClinVar (database versions not stated): TOPMed below 0.00001; gnomAD 0.00001; gnomAD exomes 0.00001 and 0.00002; ExAC 0.00002.
gnomAD v4.1: 21 of 1,613,760 alleles (0.0013%); highest among the groups gnomAD compares: South Asian, 0.012%; no homozygotes.

Submissions (5):

Quest Diagnostics Nichols Institute San Juan Capistrano
Classification: Uncertain significance. Last evaluated: 2024-11-05. Review status: criteria provided, single submitter. Criteria: Quest Diagnostics criteria. Collection method: clinical testing. Allele origin: unknown.
Comment: The FANCM c.868A>G (p.Ile290Val) variant has been observed in published case-control studies in both breast cancer cases and reportedly healthy individuals (PMIDs: 33471991 (2021) and 36707629 (2023), see also LOVD). The frequency of this variant in the general population, 0.00013 (4/30602 chromosomes (Genome Aggregation Database)), is uninformative in the assessment of its pathogenicity. Analysis of this variant using bioinformatics tools for the prediction of the effect of amino acid changes on protein structure and function yielded predictions that this variant is benign. Based on the available information, we are unable to determine the clinical significance of this variant.

Labcorp Genetics (formerly Invitae), Labcorp
Classification: Uncertain significance for Fanconi anemia. Last evaluated: 2024-03-04. Review status: criteria provided, single submitter. Criteria: Invitae Variant Classification Sherloc (09022015). Collection method: clinical testing. Allele origin: germline.
Comment: This sequence change replaces isoleucine, which is neutral and non-polar, with valine, which is neutral and non-polar, at codon 290 of the FANCM protein (p.Ile290Val). This variant is present in population databases (rs780426259, gnomAD 0.01%). This variant has not been reported in the literature in individuals affected with FANCM-related conditions. ClinVar contains an entry for this variant (Variation ID: 998259). Algorithms developed to predict the effect of missense changes on protein structure and function output the following: SIFT: "Not Available"; PolyPhen-2: "Benign"; Align-GVGD: "Not Available". The valine amino acid residue is found in multiple mammalian species, which suggests that this missense change does not adversely affect protein function. In summary, the available evidence is currently insufficient to determine the role of this variant in disease. Therefore, it has been classified as a Variant of Uncertain Significance.

GeneDx
Classification: Uncertain significance. Last evaluated: 2022-02-17. Review status: criteria provided, single submitter. Criteria: GeneDx Variant Classification Process June 2021. Collection method: clinical testing. Allele origin: germline. Affected: yes.
Comment: Not observed at significant frequency in large population cohorts (gnomAD); In silico analysis supports that this missense variant does not alter protein structure/function; Has not been previously published as pathogenic or benign to our knowledge

Fulgent Genetics
Classification: Uncertain significance for Spermatogenic failure 28; Premature ovarian failure 15. Last evaluated: 2021-10-31. Review status: criteria provided, single submitter. Criteria: ACMG Guidelines, 2015. Collection method: clinical testing. Allele origin: unknown.

Baylor Genetics
Classification: Uncertain significance for Spermatogenic failure 28. Last evaluated: 2019-10-11. Review status: criteria provided, single submitter. Criteria: ACMG Guidelines, 2015. Collection method: clinical testing. Allele origin: unknown. Affected: yes. Study: CSER-TexasKidsCanSeq.
Comment: This variant was determined to be of uncertain significance according to ACMG Guidelines, 2015 [PMID:25741868].

Literature cited by the submitters: PubMed 33471991 (cited by Quest Diagnostics Nichols Institute San Juan Capistrano); PubMed 36707629 (cited by Quest Diagnostics Nichols Institute San Juan Capistrano).

NM_020937.4(FANCM):c.868A>G (p.Ile290Val)

Gene: FANCM (FA complementation group M; plus strand). Cytogenetic location: 14q21.2.
Variant type: single nucleotide variant.
Coding change: c.868A>G on transcript NM_020937.4 (MANE Select); coding-DNA position 868, A replaced by G.
Protein change: p.Ile290Val; replaces isoleucine 290 with valine.
Molecular consequence: missense variant.
Genome position (GRCh38, 1-based): chr14:45,148,945, A>G. VCF-style: chr14-45148945-A-G. GRCh37 (hg19) VCF-style: chr14-45618148-A-G.
Other names: c.790A>G, p.Ile264Val (NM_001308133.2); c.868A>G, p.Ile290Val (NM_001308134.2); short protein forms I264V, I290V.
Identifiers: ClinVar variation 998259 (VCV000998259.11), dbSNP rs780426259, ClinGen allele CA7168866.